The following is an entry in ClinVar:

NC_000023.10:g.(?_77112986)_(77112986_?)del

Variant type: Deletion.
Identifiers: ClinVar variation 3245438 (VCV003245438.1).

ClinVar aggregate classification (germline): Likely pathogenic (1 of 4 stars; one submission).

Conditions:
X-linked immunodeficiency with magnesium defect, Epstein-Barr virus infection and neoplasia. Identifiers: Orphanet 317476, MedGen C3275445, MONDO:0010455, OMIM 300853.

Submission:

Labcorp Genetics (formerly Invitae), Labcorp
Classification: Likely pathogenic for X-linked immunodeficiency with magnesium defect, Epstein-Barr virus infection and neoplasia. Last evaluated: 2019-03-04. Review status: criteria provided, single submitter. Criteria: Invitae Variant Classification Sherloc (09022015). Collection method: clinical testing. Allele origin: unknown.
Comment: In summary, the currently available evidence indicates that the variant is pathogenic, but additional data are needed to prove that conclusively. Therefore, this variant has been classified as Likely Pathogenic. Loss-of-function variants in MAGT1 are known to be pathogenic (PMID: 24550228). This variant has not been reported in the literature in individuals with MAGT1-related disease. This variant is a deletion of the genomic region encompassing part of exon 4 (c.487-544_496del) of the MAGT1 gene. It is expected to disrupt RNA splicing and likely results in an absent or disrupted protein product.

Literature cited by the submitters: PubMed 24550228.